The following is an entry in ClinVar:

NM_000530.8(MPZ):c.553C>T (p.Arg185Cys)

Gene: MPZ (myelin protein zero; minus strand). Cytogenetic location: 1q23.3.
Variant type: single nucleotide variant.
Coding change: c.553C>T on transcript NM_000530.8 (MANE Select); coding-DNA position 553, C replaced by T.
Protein change: p.Arg185Cys; replaces arginine 185 with cysteine.
Molecular consequence: missense variant.
Genome position (GRCh38, 1-based): chr1:161,306,360, G>A on the plus strand (C>T on the coding strand, the complement: MPZ is on the minus strand). VCF-style: chr1-161306360-G-A. GRCh37 (hg19) VCF-style: chr1-161276150-G-A.
Other names: c.553C>T, p.Arg185Cys (NM_001315491.2); short protein forms R185C.
Identifiers: ClinVar variation 3896917 (VCV003896917.1).

ClinVar aggregate classification (germline): Uncertain significance (1 of 4 stars; one submission).

Conditions:
Charcot-Marie-Tooth disease type 1B. Also called: CHARCOT-MARIE-TOOTH DISEASE, AUTOSOMAL DOMINANT, WITH FOCALLY FOLDED MYELIN SHEATHS, TYPE 1B; CHARCOT-MARIE-TOOTH DISEASE, SLOW NERVE CONDUCTION TYPE, LINKED TO DUFFY; CHARCOT-MARIE-TOOTH NEUROPATHY, TYPE 1B; HEREDITARY MOTOR AND SENSORY NEUROPATHY I; HEREDITARY MOTOR AND SENSORY NEUROPATHY IB; PERONEAL MUSCULAR ATROPHY. Identifiers: Orphanet 101082, MedGen C0270912, MONDO:0007307, OMIM 118200.
Dejerine-Sottas disease. Also called: DEJERINE-SOTTAS NEUROPATHY; HEREDITARY MOTOR AND SENSORY NEUROPATHY TYPE III; HMSN Type III; Hereditary motor and sensory neuropathy 3; Charcot-Marie-Tooth disease type 3. Identifiers: Orphanet 64748, MedGen C0011195, MONDO:0007790, OMIM 145900.

Submission:

Kariminejad - Najmabadi Pathology & Genetics Center
Classification: Uncertain significance for Charcot-Marie-Tooth disease type 1B; Dejerine-Sottas disease. Last evaluated: 2021-03-18. Review status: criteria provided, single submitter. Criteria: ACMG Guidelines, 2015. Collection method: clinical testing. Allele origin: germline. Inheritance: Autosomal dominant inheritance. Affected: yes.
Comment: PM1,PM2,PP3